The following is an entry in ClinVar:

NM_000540.3(RYR1):c.5978G>A (p.Arg1993Lys)

Gene: RYR1 (ryanodine receptor 1; plus strand). Cytogenetic location: 19q13.2.
Variant type: single nucleotide variant.
Coding change: c.5978G>A on transcript NM_000540.3 (MANE Select); coding-DNA position 5978, G replaced by A.
Protein change: p.Arg1993Lys; replaces arginine 1993 with lysine.
Molecular consequence: missense variant.
Genome position (GRCh38, 1-based): chr19:38,490,239, G>A. VCF-style: chr19-38490239-G-A. GRCh37 (hg19) VCF-style: chr19-38980879-G-A.
Other names: c.5978G>A, p.Arg1993Lys (NM_001042723.2); short protein forms R1993K.
Identifiers: ClinVar variation 1981383 (VCV001981383.4), dbSNP rs2514252561, ClinGen allele CA405660613.

ClinVar aggregate classification (germline): Uncertain significance (1 of 4 stars; one submission).

Conditions:
RYR1-related disorder. Also called: RYR1-related condition; RYR1-related disorders. Identifiers: MedGen CN239331.

Submission:

Labcorp Genetics (formerly Invitae), Labcorp
Classification: Uncertain significance for RYR1-related disorder. Last evaluated: 2022-08-28. Review status: criteria provided, single submitter. Criteria: Invitae Variant Classification Sherloc (09022015). Collection method: clinical testing. Allele origin: germline.
Comment: Advanced modeling of protein sequence and biophysical properties (such as structural, functional, and spatial information, amino acid conservation, physicochemical variation, residue mobility, and thermodynamic stability) performed at Invitae indicates that this missense variant is not expected to disrupt RYR1 protein function. In summary, the available evidence is currently insufficient to determine the role of this variant in disease. Therefore, it has been classified as a Variant of Uncertain Significance. This variant has not been reported in the literature in individuals affected with RYR1-related conditions. This sequence change replaces arginine, which is basic and polar, with lysine, which is basic and polar, at codon 1993 of the RYR1 protein (p.Arg1993Lys). This variant is not present in population databases (gnomAD no frequency).